The following is an entry in ClinVar:

NM_001204.7(BMPR2):c.1457A>G (p.Gln486Arg)

Gene: BMPR2 (bone morphogenetic protein receptor type 2; plus strand). Cytogenetic location: 2q33.2.
Variant type: single nucleotide variant.
Coding change: c.1457A>G on transcript NM_001204.7 (MANE Select); coding-DNA position 1457, A replaced by G.
Protein change: p.Gln486Arg; replaces glutamine 486 with arginine.
Molecular consequence: missense variant.
Genome position (GRCh38, 1-based): chr2:202,552,759, A>G. VCF-style: chr2-202552759-A-G. GRCh37 (hg19) VCF-style: chr2-203417482-A-G.
Other names: c.1457A>G (NM_001204.6); short protein forms Q486R.
Identifiers: ClinVar variation 1349124 (VCV001349124.7), dbSNP rs2106042085, ClinGen allele CA350344511.

ClinVar aggregate classification (germline): Uncertain significance. Review status: criteria provided, multiple submitters, no conflicts (2 of 4 stars). 2 submissions from 2 submitters: Uncertain significance (2). Last evaluated 2025-08-19.

Conditions:
Primary pulmonary hypertension. Also called: Idiopathic pulmonary hypertension. Identifiers: MedGen C0152171.
Inborn genetic diseases. Identifiers: MedGen C0950123, MeSH D030342.

Submissions (2):

Ambry Genetics
Classification: Uncertain significance for Inborn genetic diseases. Last evaluated: 2025-08-19. Review status: criteria provided, single submitter. Criteria: Ambry Variant Classification Scheme 2023. Collection method: clinical testing. Allele origin: germline.
Comment: The p.Q486R variant (also known as c.1457A>G), located in coding exon 11 of the BMPR2 gene, results from an A to G substitution at nucleotide position 1457. The glutamine at codon 486 is replaced by arginine, an amino acid with highly similar properties. This amino acid position is conserved. In addition, this alteration is predicted to be deleterious by in silico analysis. Based on the available evidence, the clinical significance of this variant remains unclear.

Labcorp Genetics (formerly Invitae), Labcorp
Classification: Uncertain significance for Primary pulmonary hypertension. Last evaluated: 2021-11-03. Review status: criteria provided, single submitter. Criteria: Invitae Variant Classification Sherloc (09022015). Collection method: clinical testing. Allele origin: germline.
Comment: This sequence change replaces glutamine, which is neutral and polar, with arginine, which is basic and polar, at codon 486 of the BMPR2 protein (p.Gln486Arg). This variant is not present in population databases (gnomAD no frequency). This variant has not been reported in the literature in individuals affected with BMPR2-related conditions. Advanced modeling of protein sequence and biophysical properties (such as structural, functional, and spatial information, amino acid conservation, physicochemical variation, residue mobility, and thermodynamic stability) performed at Invitae indicates that this missense variant is not expected to disrupt BMPR2 protein function. In summary, the available evidence is currently insufficient to determine the role of this variant in disease. Therefore, it has been classified as a Variant of Uncertain Significance.